The following is an entry in ClinVar:

NM_014915.3(ANKRD26):c.3585G>C (p.Glu1195Asp)

Gene: ANKRD26 (ankyrin repeat domain 26; minus strand). Cytogenetic location: 10p12.1.
Variant type: single nucleotide variant.
Coding change: c.3585G>C on transcript NM_014915.3 (MANE Select); coding-DNA position 3585, G replaced by C.
Protein change: p.Glu1195Asp; replaces glutamic acid 1195 with aspartic acid.
Molecular consequence: missense variant.
Genome position (GRCh38, 1-based): chr10:27,034,865, C>G on the plus strand (G>C on the coding strand, the complement: ANKRD26 is on the minus strand). VCF-style: chr10-27034865-C-G. GRCh37 (hg19) VCF-style: chr10-27323794-C-G.
Other names: c.3582G>C, p.Glu1194Asp (NM_001256053.2); short protein forms E1194D, E1195D.
Identifiers: ClinVar variation 4842327 (VCV004842327.1).

ClinVar aggregate classification (germline): Uncertain significance (1 of 4 stars; one submission).

Conditions:
Inborn genetic diseases. Identifiers: MedGen C0950123, MeSH D030342.

Submission:

Ambry Genetics
Classification: Uncertain significance for Inborn genetic diseases. Last evaluated: 2025-12-15. Review status: criteria provided, single submitter. Criteria: Ambry Variant Classification Scheme 2023. Collection method: clinical testing. Allele origin: germline.
Comment: The p.E1195D variant (also known as c.3585G>C), located in coding exon 24 of the ANKRD26 gene, results from a G to C substitution at nucleotide position 3585. The glutamic acid at codon 1195 is replaced by aspartic acid, an amino acid with highly similar properties. This amino acid position is conserved. In addition, this alteration is predicted to be tolerated by in silico analysis. Based on the available evidence, the clinical significance of this variant remains unclear.